The following is an entry in ClinVar:

ClinVar aggregate classification (germline): Uncertain significance (1 of 4 stars; one submission).

Submission:

Labcorp Genetics (formerly Invitae), Labcorp
Classification: Uncertain significance. Last evaluated: 2022-07-18. Review status: criteria provided, single submitter. Criteria: Invitae Variant Classification Sherloc (09022015). Collection method: clinical testing. Allele origin: germline.
Comment: This sequence change creates a premature translational stop signal (p.Pro7Thrfs*75) in the MMP14 gene. It is expected to result in an absent or disrupted protein product. However, the current clinical and genetic evidence is not sufficient to establish whether loss-of-function variants in MMP14 cause disease. In summary, the available evidence is currently insufficient to determine the role of this variant in disease. Therefore, it has been classified as a Variant of Uncertain Significance. Experimental studies and prediction algorithms are not available or were not evaluated, and the functional significance of this variant is currently unknown. This variant has not been reported in the literature in individuals affected with MMP14-related conditions. This variant is not present in population databases (gnomAD no frequency).

NM_004995.4(MMP14):c.17dup (p.Pro7fs)

Gene: MMP14 (matrix metallopeptidase 14; plus strand). Cytogenetic location: 14q11.2.
Variant type: Duplication.
Coding change: c.17dup on transcript NM_004995.4 (MANE Select); coding-DNA position 17, one base duplicated (G; older notation c.17dupG).
Protein change: p.Pro7fs; shifts the reading frame from proline 7.
Molecular consequence: frameshift variant.
Genome position (GRCh38, 1-based): chr14:22,836,834, G duplicated. VCF-style (leftmost placement, unchanged base first): chr14-22836833-A-AG. GRCh37 (hg19) VCF-style: chr14-23306042-A-AG.
Other names: short protein forms P7fs.
Identifiers: ClinVar variation 2017895 (VCV002017895.4), dbSNP rs2502055573, ClinGen allele CA2580087849.